The following is an entry in ClinVar:

NM_022041.4(GAN):c.334C>G (p.Leu112Val)

Gene: GAN (gigaxonin; plus strand). Cytogenetic location: 16q23.2.
Variant type: single nucleotide variant.
Coding change: c.334C>G on transcript NM_022041.4 (MANE Select); coding-DNA position 334, C replaced by G.
Protein change: p.Leu112Val; replaces leucine 112 with valine.
Molecular consequence: missense variant. On other transcripts: 5 prime UTR variant (1).
Genome position (GRCh38, 1-based): chr16:81,354,456, C>G. VCF-style: chr16-81354456-C-G. GRCh37 (hg19) VCF-style: chr16-81388061-C-G.
Other names: c.-306C>G (NM_001377486.1); short protein forms L112V.
Identifiers: ClinVar variation 4279631 (VCV004279631.1).

ClinVar aggregate classification (germline): Uncertain significance (1 of 4 stars; one submission).

Conditions:
Giant axonal neuropathy 1 (GAN1). Also called: GIANT AXONAL NEUROPATHY 1, AUTOSOMAL RECESSIVE; GAN-Related Neurodegeneration. Identifiers: Orphanet 643, MedGen C1850386, MONDO:0009749, OMIM 256850.

Submission:

Diagnostics Services (NGS), CSIR - Centre For Cellular And Molecular Biology
Classification: Uncertain significance for Giant axonal neuropathy 1. Last evaluated: 2025-09-30. Review status: criteria provided, single submitter. Criteria: ACMG Guidelines, 2015. Collection method: clinical testing. Allele origin: germline. Affected: yes. Observed: 1 variant allele, 1 homozygote.
Comment: The c.334C>G variant is not present in publicly available population databases like 1000 Genomes, EVS, gnomAD, Indian Exome Database or our internal database. This variant has neither been published in the literature in individuals affected with GAN-related conditions nor reported to clinical databases like Human Genome Mutation Database (HGMD), ClinVar, or OMIM, in any affected individuals. In-silico pathogenicity prediction programs like Polyphen-2, MutationTaster2021, CADD, etc, predicted this variant to be likely deleterious; however, these predictions were not confirmed by any published functional studies.